The following is an entry in ClinVar:

NM_001378778.1(MPDZ):c.1013T>A (p.Ile338Lys)

Gene: MPDZ (multiple PDZ domain crumbs cell polarity complex component; minus strand). Cytogenetic location: 9p23.
Variant type: single nucleotide variant.
Coding change: c.1013T>A on transcript NM_001378778.1 (MANE Select); coding-DNA position 1013, T replaced by A.
Protein change: p.Ile338Lys; replaces isoleucine 338 with lysine.
Molecular consequence: missense variant.
Genome position (GRCh38, 1-based): chr9:13,219,632, A>T on the plus strand (T>A on the coding strand, the complement: MPDZ is on the minus strand). VCF-style: chr9-13219632-A-T. GRCh37 (hg19) VCF-style: chr9-13219631-A-T.
Other names: c.1013T>A, p.Ile338Lys (NM_001261406.2, NM_001261407.2, NM_001330637.2 and 14 more transcripts); short protein forms I338K.
Identifiers: ClinVar variation 1931416 (VCV001931416.5), dbSNP rs1017490309, ClinGen allele CA372945608.

ClinVar aggregate classification (germline): Uncertain significance (1 of 4 stars; one submission).

gnomAD v4.1: 1 of 1,612,446 alleles (0.000062%); highest among the groups gnomAD compares: Admixed American, 0.0017%; no homozygotes.

Submission:

Labcorp Genetics (formerly Invitae), Labcorp
Classification: Uncertain significance. Last evaluated: 2022-08-03. Review status: criteria provided, single submitter. Criteria: Invitae Variant Classification Sherloc (09022015). Collection method: clinical testing. Allele origin: germline.
Comment: In summary, the available evidence is currently insufficient to determine the role of this variant in disease. Therefore, it has been classified as a Variant of Uncertain Significance. Algorithms developed to predict the effect of missense changes on protein structure and function are either unavailable or do not agree on the potential impact of this missense change (SIFT: "Deleterious"; PolyPhen-2: "Benign"; Align-GVGD: "Class C35"). This variant has not been reported in the literature in individuals affected with MPDZ-related conditions. This variant is not present in population databases (gnomAD no frequency). This sequence change replaces isoleucine, which is neutral and non-polar, with lysine, which is basic and polar, at codon 338 of the MPDZ protein (p.Ile338Lys).